The following is an entry in ClinVar:

ClinVar aggregate classification (germline): Uncertain significance. Review status: criteria provided, multiple submitters, no conflicts (2 of 4 stars). 2 submissions from 2 submitters: Uncertain significance (2). Last evaluated 2022-08-07.

Conditions:
Hereditary spastic paraplegia 64. Also called: Spastic paraplegia 64, autosomal recessive; ENTPD1-Related Neurodevelopmental Disorder. Identifiers: Orphanet 401810, MedGen C3810289, MONDO:0014303, OMIM 615683.
Hereditary spastic paraplegia. Also called: Familial spastic paraparesis. Identifiers: Orphanet 685, MedGen C0037773, MONDO:0019064. Disease mechanism: loss of function.

Allele frequency attached by ClinVar (database versions not stated): TOPMed below 0.00001; gnomAD 0.00001; gnomAD exomes 0.00001.
gnomAD v4.1: 5 of 1,614,072 alleles (0.00031%); highest among the groups gnomAD compares: Non-Finnish European, 0.00025%; no homozygotes.

Submissions (2):

Labcorp Genetics (formerly Invitae), Labcorp
Classification: Uncertain significance for Hereditary spastic paraplegia 64. Last evaluated: 2022-08-07. Review status: criteria provided, single submitter. Criteria: Invitae Variant Classification Sherloc (09022015). Collection method: clinical testing. Allele origin: germline.
Comment: In summary, the available evidence is currently insufficient to determine the role of this variant in disease. Therefore, it has been classified as a Variant of Uncertain Significance. Algorithms developed to predict the effect of sequence changes on RNA splicing suggest that this variant may create or strengthen a splice site. Algorithms developed to predict the effect of missense changes on protein structure and function are either unavailable or do not agree on the potential impact of this missense change (SIFT: "Tolerated"; PolyPhen-2: "Probably Damaging"; Align-GVGD: "Class C0"). ClinVar contains an entry for this variant (Variation ID: 1344316). This variant has not been reported in the literature in individuals affected with ENTPD1-related conditions. This variant is present in population databases (no rsID available, gnomAD no frequency). This sequence change replaces proline, which is neutral and non-polar, with alanine, which is neutral and non-polar, at codon 471 of the ENTPD1 protein (p.Pro471Ala).

Genome Diagnostics Laboratory, The Hospital for Sick Children
Classification: Uncertain significance for Hereditary spastic paraplegia. Last evaluated: 2016-12-12. Review status: criteria provided, single submitter. Criteria: ACMG Guidelines, 2015. Collection method: clinical testing. Allele origin: germline. Affected: yes.

NM_001776.6(ENTPD1):c.1411C>G (p.Pro471Ala)

Genes: ENTPD1 (ectonucleoside triphosphate diphosphohydrolase 1; plus strand), ENTPD1-AS1 (ENTPD1 antisense RNA 1; minus strand). Cytogenetic location: 10q24.1.
Variant type: single nucleotide variant.
Coding change: c.1411C>G on transcript NM_001776.6 (MANE Select); coding-DNA position 1411, C replaced by G.
Protein change: p.Pro471Ala; replaces proline 471 with alanine.
Molecular consequence: missense variant. On other transcripts: intron variant (1).
Genome position (GRCh38, 1-based): chr10:95,866,261, C>G. VCF-style: chr10-95866261-C-G. GRCh37 (hg19) VCF-style: chr10-97626018-C-G.
Other names: c.1432C>G, p.Pro478Ala (NM_001098175.2); c.1447C>G, p.Pro483Ala (NM_001164178.1); c.1288C>G, p.Pro430Ala (NM_001164179.2); c.1087C>G, p.Pro363Ala (NM_001164181.1, NM_001312654.1); c.997C>G, p.Pro333Ala (NM_001164182.2, NM_001164183.2); c.1362+1400C>G (NM_001320916.1); short protein forms P333A, P363A, P430A, P471A, P478A, P483A.
Identifiers: ClinVar variation 1344316 (VCV001344316.7), dbSNP rs1173015974, ClinGen allele CA377824913.